The following is an entry in ClinVar:

ClinVar aggregate classification (germline): Pathogenic (1 of 4 stars; one submission).

Conditions:
Glycogen storage disease, type IV (GSD4). Also called: AMYLOPECTINOSIS; ANDERSEN DISEASE; BRANCHER DEFICIENCY; CIRRHOSIS, FAMILIAL, WITH DEPOSITION OF ABNORMAL GLYCOGEN; GBE1 DEFICIENCY; GLYCOGEN BRANCHING ENZYME DEFICIENCY. Identifiers: Orphanet 367, MedGen C0017923, MONDO:0009292, OMIM 232500.

Submission:

Myriad Genetics, Inc.
Classification: Pathogenic for Glycogen storage disease, type IV. Last evaluated: 2024-05-14. Review status: criteria provided, single submitter. Criteria: Myriad Autosomal Dominant, Autosomal Recessive and X-Linked Classification Criteria (2023). Collection method: clinical testing. Allele origin: unknown.
Comment: NM_000158.3(GBE1):c.301_302ins10(T101Ifs*8) is expected to be pathogenic in the context of glycogen storage disease, GBE1-related. This variant is predicted to lead to an abnormal or absent protein product due to the creation of a premature termination codon in GBE1, a gene where loss-of-function variants are known to be pathogenic. Please note: this variant was assessed in the context of healthy population screening.

NM_000158.4(GBE1):c.301_302insTACACATCTA (p.Thr101fs)

Gene: GBE1 (1,4-alpha-glucan branching enzyme 1; minus strand). Cytogenetic location: 3p12.2.
Variant type: Insertion.
Coding change: c.301_302insTACACATCTA on transcript NM_000158.4 (MANE Select); coding-DNA positions 301 to 302, TACACATCTA inserted.
Protein change: p.Thr101fs; shifts the reading frame from threonine 101.
Molecular consequence: frameshift variant.
Genome position: GRCh38 VCF-style: chr3-81705455-G-GTAGATGTGTA. GRCh37 (hg19) VCF-style: chr3-81754606-G-GTAGATGTGTA.
Other names: short protein forms T101fs.
Identifiers: ClinVar variation 5011138 (VCV005011138.1).